The following is an entry in ClinVar:

ClinVar aggregate classification (germline): Pathogenic/Likely pathogenic. Review status: criteria provided, multiple submitters, no conflicts (2 of 4 stars). 3 submissions from 3 submitters: Pathogenic (1); Likely pathogenic (1). 1 of the submissions does not count toward it. Last evaluated 2024-05-28.

Conditions:
Ehlers-Danlos syndrome, type 4 (EDSVASC). Also called: Ehlers-Danlos syndrome vascular type; Ehlers Danlos syndrome, ecchymotic type; Ehlers Danlos syndrome, arterial type; Ehlers Danlos syndrome, Sack-Barabas type; Ehlers-Danlos Syndrome Type IV. Identifiers: Orphanet 286, MedGen C0268338, MONDO:0017314, OMIM 130050.

Submissions (3):

Labcorp Genetics (formerly Invitae), Labcorp
Classification: Pathogenic for Ehlers-Danlos syndrome, type 4. Last evaluated: 2024-05-28. Review status: criteria provided, single submitter. Criteria: Invitae Variant Classification Sherloc (09022015). Collection method: clinical testing. Allele origin: germline.
Comment: This sequence change replaces glycine, which is neutral and non-polar, with valine, which is neutral and non-polar, at codon 975 of the COL3A1 protein (p.Gly975Val). This variant is not present in population databases (gnomAD no frequency). This missense change has been observed in individual(s) with vascular Ehlers-Danlos syndrome (PMID: 18043893, 30474650). In at least one individual the variant was observed to be de novo. ClinVar contains an entry for this variant (Variation ID: 101246). Advanced modeling of protein sequence and biophysical properties (such as structural, functional, and spatial information, amino acid conservation, physicochemical variation, residue mobility, and thermodynamic stability) performed at Invitae indicates that this missense variant is expected to disrupt COL3A1 protein function with a positive predictive value of 95%. This variant disrupts the triple helix domain of COL3A1. Glycine residues within the Gly-Xaa-Yaa repeats of the triple helix domain are required for the structure and stability of fibrillar collagens (PMID: 7695699, 8218237, 19344236). In COL3A1, variants that affect these glycine residues are significantly enriched in individuals with disease (PMID: 24922459, 25758994) compared to the general population (ExAC). For these reasons, this variant has been classified as Pathogenic.

Juno Genomics, Hangzhou Juno Genomics, Inc
Classification: Likely pathogenic for Ehlers-Danlos syndrome, type 4. Review status: criteria provided, single submitter. Criteria: ACMG Guidelines, 2015. Collection method: clinical testing. Allele origin: germline. Affected: yes.
Comment: Absent from controls (or at extremely low frequency if recessive) in Genome Aggregation Database, Exome Sequencing Project, 1000 Genomes Project, or Exome Aggregation Consortium.;Multiple lines of computational evidence support a deleterious effect on the gene or gene product (conservation, evolutionary, splicing impact, etc).;The prevalence of the variant in affected individuals is significantly increased compared to the prevalence in controls.;Assumed de novo, but without confirmation of paternity and maternity.;Patient's phenotype or family history is highly specific for a disease with a single genetic etiology.;Missense variant in a gene that has a low rate of benign missense variation and where missense variants are a common mechanism of disease.

Collagen Diagnostic Laboratory, University of Washington
Classification: Pathogenic for Ehlers-Danlos syndrome, type 4. Review status: no assertion criteria provided. Collection method: clinical testing. Allele origin: germline. Affected: yes. Not counted in ClinVar's aggregate classification.

Literature cited by the submitters: PubMed 18043893 (cited by Labcorp Genetics (formerly Invitae), Labcorp and Collagen Diagnostic Laboratory, University of Washington); PubMed 30474650 (cited by Labcorp Genetics (formerly Invitae), Labcorp); PubMed 7695699 (cited by Labcorp Genetics (formerly Invitae), Labcorp); PubMed 8218237 (cited by Labcorp Genetics (formerly Invitae), Labcorp); PubMed 19344236 (cited by Labcorp Genetics (formerly Invitae), Labcorp); PubMed 24922459 (cited by Labcorp Genetics (formerly Invitae), Labcorp); PubMed 25758994 (cited by Labcorp Genetics (formerly Invitae), Labcorp).

NM_000090.4(COL3A1):c.2924G>T (p.Gly975Val)

Gene: COL3A1 (collagen type III alpha 1 chain; plus strand). Cytogenetic location: 2q32.2.
Variant type: single nucleotide variant.
Coding change: c.2924G>T on transcript NM_000090.4 (MANE Select); coding-DNA position 2924, G replaced by T.
Protein change: p.Gly975Val; replaces glycine 975 with valine.
Molecular consequence: missense variant.
Genome position (GRCh38, 1-based): chr2:189,004,357, G>T. VCF-style: chr2-189004357-G-T. GRCh37 (hg19) VCF-style: chr2-189869083-G-T.
Identifiers: ClinVar variation 101246 (VCV000101246.7), dbSNP rs587779542, ClinGen allele CA005863.